The following is an entry in ClinVar:

NM_000466.3(PEX1):c.2578del (p.Ala860fs)

Gene: PEX1 (peroxisomal biogenesis factor 1; minus strand). Cytogenetic location: 7q21.2.
Variant type: Deletion.
Coding change: c.2578del on transcript NM_000466.3 (MANE Select); coding-DNA position 2578, one base deleted (G; older notation c.2578delG).
Protein change: p.Ala860fs; shifts the reading frame from alanine 860.
Molecular consequence: frameshift variant.
Genome position (GRCh38, 1-based): chr7:92,501,512, C deleted on the plus strand (G on the coding strand, the reverse complement: PEX1 is on the minus strand). VCF-style (leftmost placement, unchanged base first): chr7-92501511-GC-G. GRCh37 (hg19) VCF-style: chr7-92130825-GC-G.
Other names: c.2407del, p.Ala803fs (NM_001282677.2); c.1954del, p.Ala652fs (NM_001282678.2); c.2578delG (NM_000466.3); short protein forms A652fs, A803fs, A860fs.
Identifiers: ClinVar variation 3375299 (VCV003375299.1).
Genomic context (GRCh38, chr7:92,501,511, plus strand): 5'-ATAATACAGTGGTTCTTCTGGGAGTAAGTATTCACTTTTTCTTTTTTTAAACATACCTTG[GC>G]AGGTAACTGGATAGTATCCATGAGTATCTGCCTAACTTCATGTAACCCACCAATCTTGTC-3'

ClinVar aggregate classification (germline): Pathogenic (1 of 4 stars; one submission).

Conditions:
Peroxisome biogenesis disorder. Identifiers: Orphanet 79189, MedGen C1832200, MONDO:0019234. Disease mechanism: loss of function.

Submission:

Women's Health and Genetics/Laboratory Corporation of America, LabCorp
Classification: Pathogenic for Peroxisome biogenesis disorder. Last evaluated: 2024-09-23. Review status: criteria provided, single submitter. Criteria: LabCorp Variant Classification Summary - May 2015. Collection method: clinical testing. Allele origin: germline.
Comment: Variant summary: PEX1 c.2578delG (p.Ala860ProfsX31) results in a premature termination codon, predicted to cause a truncation of the encoded protein or absence of the protein due to nonsense mediated decay, which are commonly known mechanisms for disease. The variant was absent in 250934 control chromosomes (gnomAD). To our knowledge, no occurrence of c.2578delG in individuals affected with Zellweger Syndrome and no experimental evidence demonstrating its impact on protein function have been reported. No submitters have cited clinical-significance assessments for this variant to ClinVar. Based on the evidence outlined above, the variant was classified as pathogenic.